The following is an entry in ClinVar:

NM_000264.5(PTCH1):c.945+5G>T

Gene: PTCH1 (patched 1; minus strand). Cytogenetic location: 9q22.32.
Variant type: single nucleotide variant.
Coding change: c.945+5G>T on transcript NM_000264.5 (MANE Select); 5 bases into the intron after coding-DNA position 945, G replaced by T.
Molecular consequence: intron variant.
Genome position (GRCh38, 1-based): chr9:95,480,385, C>A on the plus strand (G>T on the coding strand, the complement: PTCH1 is on the minus strand). VCF-style: chr9-95480385-C-A. GRCh37 (hg19) VCF-style: chr9-98242667-C-A.
Other names: c.942+5G>T (NM_001083603.3); c.747+5G>T (NM_001083602.3); c.945+5G>T (NM_001354918.2); c.492+5G>T (NM_001083605.3, NM_001083604.3, NM_001083606.3 and 1 more transcripts).
Identifiers: ClinVar variation 1700703 (VCV001700703.2), dbSNP rs1588609575, ClinGen allele CA2580080883.

ClinVar aggregate classification (germline): Likely pathogenic (1 of 4 stars; one submission).

Submission:

Centre of Medical Genetics, University Hospital Muenster
Classification: Likely pathogenic. Last evaluated: 2022-08-19. Review status: criteria provided, single submitter. Criteria: ACMG Guidelines, 2015. Collection method: clinical testing. Allele origin: de novo. Affected: yes. Observed: 1 variant allele, 1 heterozygote.
Comment: ACMG categories: PS2,PM7,PP3